The following is an entry in ClinVar:

ClinVar aggregate classification (germline): Uncertain significance (1 of 4 stars; one submission).

gnomAD v4.1: 8 of 1,613,932 alleles (0.0005%); highest among the groups gnomAD compares: Non-Finnish European, 0.00068%; no homozygotes.

Submission:

Labcorp Genetics (formerly Invitae), Labcorp
Classification: Uncertain significance. Last evaluated: 2025-07-19. Review status: criteria provided, single submitter. Criteria: Invitae Variant Classification Sherloc (09022015). Collection method: clinical testing. Allele origin: germline.
Comment: This sequence change replaces valine, which is neutral and non-polar, with alanine, which is neutral and non-polar, at codon 842 of the DCHS1 protein (p.Val842Ala). This variant is present in population databases (rs759242345, gnomAD 0.0009%). This variant has not been reported in the literature in individuals affected with DCHS1-related conditions. An algorithm developed to predict the effect of missense changes on protein structure and function outputs the following: PolyPhen-2: "Benign". The alanine amino acid residue is found in multiple mammalian species, which suggests that this missense change does not adversely affect protein function. In summary, the available evidence is currently insufficient to determine the role of this variant in disease. Therefore, it has been classified as a Variant of Uncertain Significance.

NM_003737.4(DCHS1):c.2525T>C (p.Val842Ala)

Gene: DCHS1 (dachsous cadherin-related 1; minus strand). Cytogenetic location: 11p15.4.
Variant type: single nucleotide variant.
Coding change: c.2525T>C on transcript NM_003737.4 (MANE Select); coding-DNA position 2525, T replaced by C.
Protein change: p.Val842Ala; replaces valine 842 with alanine.
Molecular consequence: missense variant.
Genome position (GRCh38, 1-based): chr11:6,632,987, A>G on the plus strand (T>C on the coding strand, the complement: DCHS1 is on the minus strand). VCF-style: chr11-6632987-A-G. GRCh37 (hg19) VCF-style: chr11-6654218-A-G.
Other names: short protein forms V842A.
Identifiers: ClinVar variation 4772757 (VCV004772757.1).